The following is an entry in ClinVar:

ClinVar aggregate classification (germline): Uncertain significance (1 of 4 stars; one submission).

gnomAD v4.1: 11 of 1,544,556 alleles (0.00071%); highest among the groups gnomAD compares: East Asian, 0.0024%; no homozygotes.

Submission:

Labcorp Genetics (formerly Invitae), Labcorp
Classification: Uncertain significance. Last evaluated: 2022-08-15. Review status: criteria provided, single submitter. Criteria: Invitae Variant Classification Sherloc (09022015). Collection method: clinical testing. Allele origin: germline.
Comment: This sequence change replaces proline, which is neutral and non-polar, with threonine, which is neutral and polar, at codon 2040 of the DSCAML1 protein (p.Pro2040Thr). The frequency data for this variant in the population databases is considered unreliable, as metrics indicate poor data quality at this position in the gnomAD database. This variant has not been reported in the literature in individuals affected with DSCAML1-related conditions. Algorithms developed to predict the effect of missense changes on protein structure and function (SIFT, PolyPhen-2, Align-GVGD) all suggest that this variant is likely to be tolerated. In summary, the available evidence is currently insufficient to determine the role of this variant in disease. Therefore, it has been classified as a Variant of Uncertain Significance.

NM_020693.4(DSCAML1):c.5938C>A (p.Pro1980Thr)

Gene: DSCAML1 (DS cell adhesion molecule like 1; minus strand). Cytogenetic location: 11q23.3.
Variant type: single nucleotide variant.
Coding change: c.5938C>A on transcript NM_020693.4 (MANE Select); coding-DNA position 5938, C replaced by A.
Protein change: p.Pro1980Thr; replaces proline 1980 with threonine.
Molecular consequence: missense variant.
Genome position (GRCh38, 1-based): chr11:117,428,552, G>T on the plus strand (C>A on the coding strand, the complement: DSCAML1 is on the minus strand). VCF-style: chr11-117428552-G-T. GRCh37 (hg19) VCF-style: chr11-117299268-G-T.
Other names: short protein forms P1980T.
Identifiers: ClinVar variation 1916864 (VCV001916864.5), dbSNP rs750034909, ClinGen allele CA382751117.